The following is an entry in ClinVar:

NM_001011.4(RPS7):c.77C>T (p.Ala26Val)

Gene: RPS7 (ribosomal protein S7; plus strand). Cytogenetic location: 2p25.3.
Variant type: single nucleotide variant.
Coding change: c.77C>T on transcript NM_001011.4 (MANE Select); coding-DNA position 77, C replaced by T.
Protein change: p.Ala26Val; replaces alanine 26 with valine.
Molecular consequence: missense variant.
Genome position (GRCh38, 1-based): chr2:3,575,818, C>T. VCF-style: chr2-3575818-C-T. GRCh37 (hg19) VCF-style: chr2-3623408-C-T.
Other names: short protein forms A26V.
Identifiers: ClinVar variation 1401513 (VCV001401513.10), dbSNP rs939123022, ClinGen allele CA41546172.

ClinVar aggregate classification (germline): Uncertain significance. Review status: criteria provided, multiple submitters, no conflicts (2 of 4 stars). 3 submissions from 3 submitters: Uncertain significance (3). Last evaluated 2023-10-23.

Conditions:
Diamond-Blackfan anemia 8 (DBA8). Also called: RPS7-Related Diamond-Blackfan Anemia. Identifiers: Orphanet 124, MedGen C2675511, MONDO:0012939, OMIM 612563.

Allele frequency attached by ClinVar (database versions not stated): TOPMed below 0.00001; gnomAD 0.00001; gnomAD exomes 0.00001.
gnomAD v4.1: 19 of 1,611,824 alleles (0.0012%); highest among the groups gnomAD compares: Non-Finnish European, 0.0016%; no homozygotes.

Submissions (3):

GeneDx
Classification: Uncertain significance. Last evaluated: 2023-10-23. Review status: criteria provided, single submitter. Criteria: GeneDx Variant Classification Process June 2021. Collection method: clinical testing. Allele origin: germline. Affected: yes.
Comment: Not observed at significant frequency in large population cohorts (gnomAD); In silico analysis supports that this missense variant has a deleterious effect on protein structure/function; Has not been previously published as pathogenic or benign to our knowledge

Fulgent Genetics
Classification: Uncertain significance for Diamond-Blackfan anemia 8. Last evaluated: 2022-01-07. Review status: criteria provided, single submitter. Criteria: ACMG Guidelines, 2015. Collection method: clinical testing. Allele origin: unknown.

Labcorp Genetics (formerly Invitae), Labcorp
Classification: Uncertain significance for Diamond-Blackfan anemia 8. Last evaluated: 2021-03-02. Review status: criteria provided, single submitter. Criteria: Invitae Variant Classification Sherloc (09022015). Collection method: clinical testing. Allele origin: germline.
Comment: This sequence change replaces alanine with valine at codon 26 of the RPS7 protein (p.Ala26Val). The alanine residue is highly conserved and there is a small physicochemical difference between alanine and valine. This variant is not present in population databases (ExAC no frequency). This variant has not been reported in the literature in individuals with RPS7-related conditions. Algorithms developed to predict the effect of missense changes on protein structure and function are either unavailable or do not agree on the potential impact of this missense change (SIFT: "Deleterious"; PolyPhen-2: "Benign"; Align-GVGD: "Class C0"). In summary, the available evidence is currently insufficient to determine the role of this variant in disease. Therefore, it has been classified as a Variant of Uncertain Significance.